The following is an entry in ClinVar:

NM_001367624.2(ZNF469):c.2704C>G (p.Pro902Ala)

Gene: ZNF469 (zinc finger protein 469; plus strand). Cytogenetic location: 16q24.2.
Variant type: single nucleotide variant.
Coding change: c.2704C>G on transcript NM_001367624.2 (MANE Select); coding-DNA position 2704, C replaced by G.
Protein change: p.Pro902Ala; replaces proline 902 with alanine.
Molecular consequence: missense variant.
Genome position (GRCh38, 1-based): chr16:88,430,174, C>G. VCF-style: chr16-88430174-C-G. GRCh37 (hg19) VCF-style: chr16-88496582-C-G.
Other names: NM_001127464.1:c.2704C>G; short protein forms P902A.
Identifiers: ClinVar variation 1794961 (VCV001794961.2), dbSNP rs2507579716, ClinGen allele CA397074883.

ClinVar aggregate classification (germline): Uncertain significance (1 of 4 stars; one submission).

Conditions:
Cardiovascular phenotype. Identifiers: MedGen CN230736.

Submission:

Ambry Genetics
Classification: Uncertain significance for Cardiovascular phenotype. Last evaluated: 2022-09-12. Review status: criteria provided, single submitter. Criteria: Ambry Variant Classification Scheme 2023. Collection method: clinical testing. Allele origin: germline.
Comment: The p.P902A variant (also known as c.2704C>G), located in coding exon 1 of the ZNF469 gene, results from a C to G substitution at nucleotide position 2704. The proline at codon 902 is replaced by alanine, an amino acid with highly similar properties. This amino acid position is conserved. In addition, this alteration is predicted to be tolerated by in silico analysis. Since supporting evidence is limited at this time, the clinical significance of this alteration remains unclear.